The following is an entry in ClinVar:

ClinVar aggregate classification (germline): Likely benign (1 of 4 stars; one submission).

Allele frequency attached by ClinVar (database versions not stated): gnomAD exomes 0.00016; ExAC 0.00020; ESP Exome Variant Server 0.00025; TOPMed 0.00026; gnomAD 0.00027.
gnomAD v4.1: 287 of 1,613,624 alleles (0.018%); highest among the groups gnomAD compares: East Asian, 0.065%; no homozygotes.

Submission:

CeGaT Center for Human Genetics Tuebingen
Classification: Likely benign. Last evaluated: 2023-11-01. Review status: criteria provided, single submitter. Criteria: CeGaT Center For Human Genetics Tuebingen Variant Classification Criteria Version 2. Collection method: clinical testing. Allele origin: germline. Affected: yes. Observed: 1 variant allele.
Comment: IQCE: BP4, BP7

NM_152558.5(IQCE):c.849C>T (p.Gly283=)

Gene: IQCE (IQ motif containing E; plus strand). Cytogenetic location: 7p22.3.
Variant type: single nucleotide variant.
Coding change: c.849C>T on transcript NM_152558.5 (MANE Select); coding-DNA position 849, C replaced by T.
Protein change: p.Gly283=; no amino-acid change (glycine 283 retained).
Molecular consequence: synonymous variant.
Genome position (GRCh38, 1-based): chr7:2,586,232, C>T. VCF-style: chr7-2586232-C-T. GRCh37 (hg19) VCF-style: chr7-2625866-C-T.
Other names: c.849C>T, p.Gly283= (NM_001287499.2); c.801C>T, p.Gly267= (NM_001287500.2, NM_001410865.1); c.654C>T, p.Gly218= (NM_001287501.2, NM_001287502.2).
Identifiers: ClinVar variation 2673097 (VCV002673097.23), dbSNP rs199981463, ClinGen allele CA4128928.